The following is an entry in ClinVar:

NM_001029871.4(RSPO4):c.79+1G>A

Gene: RSPO4 (R-spondin 4; minus strand). Cytogenetic location: 20p13.
Variant type: single nucleotide variant.
Coding change: c.79+1G>A on transcript NM_001029871.4 (MANE Select); the canonical splice donor site of the intron after coding-DNA position 79, G replaced by A.
Molecular consequence: splice donor variant.
Genome position (GRCh38, 1-based): chr20:1,002,085, C>T on the plus strand (G>A on the coding strand, the complement: RSPO4 is on the minus strand). VCF-style: chr20-1002085-C-T. GRCh37 (hg19) VCF-style: chr20-982728-C-T.
Other names: c.79+1G>A (NM_001040007.3).
Identifiers: ClinVar variation 521270 (VCV000521270.12), dbSNP rs775644973, ClinGen allele CA9725803.
Genomic context (GRCh38, chr20:1,002,085, plus strand): 5'-TCCGGCCCCCGGTCTGCCCCGCAGCGCCTGCCCGGCCGCCCTGCCCAGCCACCCCTTGTA[C>T]CTTGCTTCTTCCTTCGGTTCAGGGCGAGCATGTCCACGGCGTGGGCGACGAGCAGGAGCA-3'

ClinVar aggregate classification (germline): Pathogenic. Review status: criteria provided, multiple submitters, no conflicts (2 of 4 stars). 8 submissions from 8 submitters: Pathogenic (8). Last evaluated 2026-06-01.

Conditions:
RSPO4-related disorder. Also called: RSPO4-related condition.
Inborn genetic diseases. Identifiers: MedGen C0950123, MeSH D030342.
Nonsyndromic congenital nail disorder 4 (NDNC4). Also called: ANONYCHIA/HYPONYCHIA CONGENITA; ANONYCHIA TOTALIS. Identifiers: Orphanet 79143, Orphanet 94150, MedGen C3277900, MONDO:0008798, OMIM 206800.

Allele frequency attached by ClinVar (database versions not stated): ExAC 0.00006; gnomAD exomes 0.00008; gnomAD 0.00012 and 0.00013; TOPMed 0.00016.
gnomAD v4.1: 139 of 1,556,098 alleles (0.0089%); highest among the groups gnomAD compares: Admixed American, 0.013%; 1 homozygote.

Submissions (8):

CeGaT Center for Human Genetics Tuebingen
Classification: Pathogenic. Last evaluated: 2026-06-01. Review status: criteria provided, single submitter. Criteria: CeGaT Center For Human Genetics Tuebingen Variant Classification Criteria Version 2. Collection method: clinical testing. Allele origin: germline. Affected: yes. Observed: 1 variant allele.
Comment: RSPO4: PVS1, PM2, PM3, PP4

PreventionGenetics, part of Exact Sciences
Classification: Pathogenic for RSPO4-related condition. Last evaluated: 2026-03-26. Review status: criteria provided, single submitter. Criteria: ACMG Guidelines, 2015. Collection method: clinical testing. Allele origin: germline.
Comment: The RSPO4 c.79+1G>A variant is predicted to disrupt the GT donor site and interfere with normal splicing. This variant was reported in the homozygous state in individuals with anonychia from a consanguineous Pakistani family and in three siblings from an unrelated consanguineous family (Family P4, described as IVS1+1G>A in Figure 1, Blaydon et al. 2006. PubMed ID: 17041604; Öktem et al. 2024. PubMed ID: 38828627). This variant is reported in 0.068% of alleles in individuals of Ashkenazi Jewish descent in gnomAD. Variants that disrupt the consensus splice donor site in RSPO4 are expected to be pathogenic. This variant is interpreted as pathogenic.

Blueprint Genetics
Classification: Pathogenic for RSPO4-related disorders. Last evaluated: 2024-09-17. Review status: criteria provided, single submitter. Criteria: ACMG Guidelines, 2015. Collection method: clinical testing. Allele origin: germline. Affected: yes. Observed: 5 variant alleles.

Revvity Omics, Revvity
Classification: Pathogenic for Nonsyndromic congenital nail disorder 4. Last evaluated: 2024-09-05. Review status: criteria provided, single submitter. Criteria: ACMG Guidelines, 2015. Collection method: clinical testing. Allele origin: germline.

Genomic Medicine Center of Excellence, King Faisal Specialist Hospital and Research Centre
Classification: Pathogenic for Nonsyndromic congenital nail disorder 4. Last evaluated: 2024-04-04. Review status: criteria provided, single submitter. Criteria: ACMG Guidelines, 2015. Collection method: clinical testing. Allele origin: germline.

Institute of Medical Genetics and Applied Genomics, University Hospital Tübingen
Classification: Pathogenic for Nonsyndromic congenital nail disorder 4. Last evaluated: 2023-11-30. Review status: criteria provided, single submitter. Criteria: ACMG Guidelines, 2015. Collection method: clinical testing. Allele origin: germline. Inheritance: Autosomal recessive inheritance. Affected: yes.

GeneDx
Classification: Pathogenic. Last evaluated: 2022-12-14. Review status: criteria provided, single submitter. Criteria: GeneDx Variant Classification Process June 2021. Collection method: clinical testing. Allele origin: germline. Affected: yes.
Comment: Canonical splice site variant in a gene for which loss-of-function is a known mechanism of disease; This variant is associated with the following publications: (PMID: 22300369, 17805348, 17186469, 17914448, 34426522, 31589614, 23234511, 34582790, 17041604)

Ambry Genetics
Classification: Pathogenic for Inborn genetic diseases. Last evaluated: 2016-09-12. Review status: criteria provided, single submitter. Criteria: Ambry exome assertion method (8-5-2015). Collection method: clinical testing. Allele origin: germline. Affected: yes. Observed: 1 variant allele.